The following is an entry in ClinVar:

NM_001039141.3(TRIOBP):c.2668A>G (p.Asn890Asp)

Gene: TRIOBP (TRIO and F-actin binding protein; plus strand). Cytogenetic location: 22q13.1.
Variant type: single nucleotide variant.
Coding change: c.2668A>G on transcript NM_001039141.3 (MANE Select); coding-DNA position 2668, A replaced by G.
Protein change: p.Asn890Asp; replaces asparagine 890 with aspartic acid.
Molecular consequence: missense variant.
Genome position (GRCh38, 1-based): chr22:37,725,224, A>G. VCF-style: chr22-37725224-A-G. GRCh37 (hg19) VCF-style: chr22-38121231-A-G.
Other names: short protein forms N890D.
Identifiers: ClinVar variation 3363711 (VCV003363711.1).

ClinVar aggregate classification (germline): Uncertain significance (1 of 4 stars; one submission).

Submission:

GeneDx
Classification: Uncertain significance. Last evaluated: 2023-11-03. Review status: criteria provided, single submitter. Criteria: GeneDx Variant Classification Process June 2021. Collection method: clinical testing. Allele origin: germline. Affected: yes.
Comment: Not observed at significant frequency in large population cohorts (gnomAD); In silico analysis supports that this missense variant does not alter protein structure/function; Has not been previously published as pathogenic or benign to our knowledge